The following continues an entry in ClinVar:

NM_000059.4(BRCA2):c.8188G>C (p.Ala2730Pro)

Gene: BRCA2. ClinVar aggregate classification (germline): Likely pathogenic. Likely pathogenic (1).

Submissions 9 to 11 of 11:

Women's Health and Genetics/Laboratory Corporation of America, LabCorp
Classification: Pathogenic for Hereditary breast ovarian cancer syndrome. Last evaluated: 2021-07-19. Review status: criteria provided, single submitter. Criteria: LabCorp Variant Classification Summary - May 2015. Collection method: clinical testing. Allele origin: germline. Not counted in ClinVar's aggregate classification.
Comment: Variant summary: BRCA2 c.8188G>C (p.Ala2730Pro) results in a non-conservative amino acid change located in the BRCA2, OB1 domain (IPR015187) of the encoded protein sequence. Five of five in-silico tools predict a damaging effect of the variant on protein function. The variant was absent in 250670 control chromosomes. c.8188G>C has been reported in the literature in individuals affected with Hereditary Breast and Ovarian Cancer (e.g. Tung_2015, Li_2019) and prostate cancer (e.g. VanderWeele_2019). These data indicate that the variant is likely to be associated with disease. At least two publications report experimental evidence evaluating an impact on protein function. The most pronounced variant effect results in a loss of homology directed repair (HDR) capacity (example, Hart_2019, Richardson_2021). HDR assays qualify as a recognized gold standard on the basis of updated guidance provided by the ClinGen Sequence Variant Interpretation (SVI) working group. This working group has recommended strong functional evidence (ACMG PS3) as sufficient weightage for categorization as likely pathogenic (Tavtigian_2018). Six clinical diagnostic laboratories have submitted clinical-significance assessments for this variant to ClinVar after 2014 without evidence for independent evaluation. Multiple laboratories reported the variant with conflicting assessments (likely pathogenic, n=3, VUS, n=3). Some submitters cite overlapping evidence utilized in the context of this evaluation. Based on the evidence outlined above, the variant was classified as pathogenic.

Counsyl
Classification: Uncertain significance for Breast-ovarian cancer, familial, susceptibility to, 2. Last evaluated: 2016-02-19. Review status: no assertion criteria provided. Collection method: clinical testing. Allele origin: unknown. Not counted in ClinVar's aggregate classification.

Breast Cancer Information Core (BIC) (BRCA2)
Classification: Uncertain significance for Breast-ovarian cancer, familial 2. Last evaluated: 2002-05-29. Review status: flagged submission. Collection method: clinical testing. Allele origin: germline. Affected: yes. Observed: 3 variant alleles. Not counted in ClinVar's aggregate classification.
ClinVar note: Reason: Older claim that does not account for recent evidence

Literature cited by the submitters: PubMed 25186627 (cited by 6 submitters); PubMed 28888541 (cited by Labcorp Genetics (formerly Invitae), Labcorp); PubMed 31853058 (cited by 5 submitters); PubMed 32886903 (cited by 3 submitters); PubMed 35980532 (cited by Labcorp Genetics (formerly Invitae), Labcorp and Quest Diagnostics Nichols Institute San Juan Capistrano); PubMed 33609447 (cited by 5 submitters); PubMed 29884841 (cited by 5 submitters); PubMed 29398457 (cited by 4 submitters); PubMed 35736817 (cited by Color Diagnostics, LLC DBA Color Health and Quest Diagnostics Nichols Institute San Juan Capistrano); PubMed 38417439 (cited by Color Diagnostics, LLC DBA Color Health); PubMed 39779848 (cited by Color Diagnostics, LLC DBA Color Health); PubMed 39779857 (cited by Color Diagnostics, LLC DBA Color Health and Ambry Genetics); PubMed 12228710 (cited by Ambry Genetics); PubMed 17027500 (cited by Ambry Genetics); PubMed 19043619 (cited by 4 submitters); PubMed 25282148 (cited by Ambry Genetics); PubMed 35665744 (cited by Quest Diagnostics Nichols Institute San Juan Capistrano); PubMed 28301460 (cited by Quest Diagnostics Nichols Institute San Juan Capistrano and Women's Health and Genetics/Laboratory Corporation of America, LabCorp).